The following is an entry in ClinVar:

ClinVar aggregate classification (germline): Conflicting classifications of pathogenicity. Review status: criteria provided, conflicting classifications (1 of 4 stars). 6 submissions from 6 submitters: Uncertain significance (4); Benign (1). 1 of the submissions does not count toward it. Last evaluated 2025-01-28.

Conditions:
SYNE1-related disorder. Also called: SYNE1-related disorders; SYNE1-related disease; SYNE1-related condition.
Autosomal recessive ataxia, Beauce type. Also called: SYNE1-Related Autosomal Recessive Cerebellar Ataxia; Spinocerebellar ataxia, autosomal recessive 8; ATAXIA, RECESSIVE, OF BEAUCE; SYNE1 Deficiency. Identifiers: Orphanet 88644, MedGen C1853116, MONDO:0012549, OMIM 610743.
Emery-Dreifuss muscular dystrophy 4, autosomal dominant (EDMD4). Also called: EMERY-DREIFUSS MUSCULAR DYSTROPHY 4 WITH VARIABLE FEATURES. Identifiers: Orphanet 261, MedGen C2751807, MONDO:0013071, OMIM 612998.
Arthrogryposis multiplex congenita 3, myogenic type. Also called: ARTHROGRYPOSIS MULTIPLEX CONGENITA, MYOGENIC TYPE. Identifiers: MedGen C5193121, MONDO:0032778, OMIM 618484.

Allele frequency attached by ClinVar (database versions not stated): gnomAD 0.00002; gnomAD exomes 0.00002 and 0.00004; TOPMed 0.00003; ExAC 0.00008.
gnomAD v4.1: 57 of 1,614,040 alleles (0.0035%); highest among the groups gnomAD compares: East Asian, 0.029%; no homozygotes.

Submissions (6):

Revvity Omics, Revvity
Classification: Uncertain significance. Last evaluated: 2025-01-28. Review status: criteria provided, single submitter. Criteria: ACMG Guidelines, 2015. Collection method: clinical testing. Allele origin: germline.

Fulgent Genetics
Classification: Uncertain significance for Autosomal recessive ataxia, Beauce type; Emery-Dreifuss muscular dystrophy 4, autosomal dominant; Arthrogryposis multiplex congenita 3, myogenic type. Last evaluated: 2024-05-01. Review status: criteria provided, single submitter. Criteria: ACMG Guidelines, 2015. Collection method: clinical testing. Allele origin: germline.

Labcorp Genetics (formerly Invitae), Labcorp
Classification: Uncertain significance for Emery-Dreifuss muscular dystrophy 4, autosomal dominant; Autosomal recessive ataxia, Beauce type. Last evaluated: 2024-03-28. Review status: criteria provided, single submitter. Criteria: Invitae Variant Classification Sherloc (09022015). Collection method: clinical testing. Allele origin: germline.
Comment: This sequence change replaces histidine, which is basic and polar, with arginine, which is basic and polar, at codon 8360 of the SYNE1 protein (p.His8360Arg). This variant is present in population databases (rs375476506, gnomAD 0.05%). This variant has not been reported in the literature in individuals affected with SYNE1-related conditions. ClinVar contains an entry for this variant (Variation ID: 538392). An algorithm developed to predict the effect of missense changes on protein structure and function (PolyPhen-2) suggests that this variant¬¨‚Ä†is likely to be tolerated. In summary, the available evidence is currently insufficient to determine the role of this variant in disease. Therefore, it has been classified as a Variant of Uncertain Significance.

Department of Pathology and Laboratory Medicine, Sinai Health System
Classification: Uncertain significance for Autosomal recessive ataxia, Beauce type; Emery-Dreifuss muscular dystrophy 4, autosomal dominant; Arthrogryposis multiplex congenita 3, myogenic type. Last evaluated: 2021-12-03. Review status: criteria provided, single submitter. Criteria: ACMG Guidelines, 2015. Collection method: research. Allele origin: germline.

Athena Diagnostics
Classification: Benign. Last evaluated: 2018-04-19. Review status: criteria provided, single submitter. Criteria: Athena Diagnostics Criteria. Collection method: clinical testing. Allele origin: germline.

PreventionGenetics, part of Exact Sciences
Classification: Uncertain significance for SYNE1-related condition. Last evaluated: 2024-02-19. Review status: no assertion criteria provided. Collection method: clinical testing. Allele origin: germline. Not counted in ClinVar's aggregate classification.
Comment: The SYNE1 c.25079A>G variant is predicted to result in the amino acid substitution p.His8360Arg. To our knowledge, this variant has not been reported in the literature. This variant is reported in 0.035% of alleles in individuals of East Asian descent in gnomAD. At this time, the clinical significance of this variant is uncertain due to the absence of conclusive functional and genetic evidence.

NM_182961.4(SYNE1):c.25223A>G (p.His8408Arg)

Gene: SYNE1 (spectrin repeat containing nuclear envelope protein 1; minus strand). Cytogenetic location: 6q25.2.
Variant type: single nucleotide variant.
Coding change: c.25223A>G on transcript NM_182961.4 (MANE Select); coding-DNA position 25223, A replaced by G.
Protein change: p.His8408Arg; replaces histidine 8408 with arginine.
Molecular consequence: missense variant.
Genome position (GRCh38, 1-based): chr6:152,141,226, T>C on the plus strand (A>G on the coding strand, the complement: SYNE1 is on the minus strand). VCF-style: chr6-152141226-T-C. GRCh37 (hg19) VCF-style: chr6-152462361-T-C.
Other names: c.1829A>G, p.His610Arg (NM_001347701.2); c.1757A>G, p.His586Arg (NM_001347702.2); c.25079A>G, p.His8360Arg (NM_033071.5); short protein forms H8360R, H8408R, H586R, H610R.
Identifiers: ClinVar variation 538392 (VCV000538392.19), dbSNP rs375476506, ClinGen allele CA4052897.
Genomic context (GRCh38, chr6:152,141,226, plus strand): 5'-ATTTCATTCACTCTTGAACTGGATGCTACGCACTCACCAGCCGTTTGGGTTTCGGTACTA[T>C]GCAGGTTAACAAAGCCAGGAAGGCTCTCCTCTTCCTCCTTCAGTTTGTGCTCCAGTCTCT-3'
Protein context (NP_892006.3, residues 8398-8418): EESLPGFVNL[His8408Arg]STETQTAGVI